The following is an entry in ClinVar:

ClinVar aggregate classification (germline): Uncertain significance. Review status: criteria provided, single submitter (1 of 4 stars). 2 submissions from 2 submitters: Uncertain significance (1). 1 of the submissions does not count toward it. Last evaluated 2024-04-10.

Conditions:
Bardet-Biedl syndrome 20. Identifiers: MedGen C4310707, MONDO:0023670, OMIM 619471, MONDO:0014926.
Short-rib thoracic dysplasia 10 with or without polydactyly (SRTD10). Identifiers: Orphanet 474, MedGen C3810175, MONDO:0014284, OMIM 615630.
Retinitis pigmentosa 71 (RP71). Identifiers: Orphanet 791, MedGen C4225342, MONDO:0014618, OMIM 616394.
IFT172-related disorder. Also called: IFT172-related disorders; IFT172-related condition.

gnomAD v4.1: 2 of 1,614,110 alleles (0.00012%); highest among the groups gnomAD compares: Non-Finnish European, 0.00017%; no homozygotes.

Submissions (2):

Fulgent Genetics
Classification: Uncertain significance for Short-rib thoracic dysplasia 10 with or without polydactyly; Retinitis pigmentosa 71; Bardet-Biedl syndrome 20. Last evaluated: 2024-04-10. Review status: criteria provided, single submitter. Criteria: ACMG Guidelines, 2015. Collection method: clinical testing. Allele origin: germline.

PreventionGenetics, part of Exact Sciences
Classification: Uncertain significance for IFT172-related condition. Last evaluated: 2024-07-29. Review status: no assertion criteria provided. Collection method: clinical testing. Allele origin: germline. Not counted in ClinVar's aggregate classification.
Comment: The IFT172 c.2900C>T variant is predicted to result in the amino acid substitution p.Pro967Leu. To our knowledge, this variant has not been reported in the literature. This variant is reported in 0.00088% of alleles in individuals of European (Non-Finnish) descent in gnomAD. At this time, the clinical significance of this variant is uncertain due to the absence of conclusive functional and genetic evidence.

NM_015662.3(IFT172):c.2900C>T (p.Pro967Leu)

Gene: IFT172 (intraflagellar transport 172; minus strand). Cytogenetic location: 2p23.3.
Variant type: single nucleotide variant.
Coding change: c.2900C>T on transcript NM_015662.3 (MANE Select); coding-DNA position 2900, C replaced by T.
Protein change: p.Pro967Leu; replaces proline 967 with leucine.
Molecular consequence: missense variant.
Genome position (GRCh38, 1-based): chr2:27,458,201, G>A on the plus strand (C>T on the coding strand, the complement: IFT172 is on the minus strand). VCF-style: chr2-27458201-G-A. GRCh37 (hg19) VCF-style: chr2-27681068-G-A.
Other names: c.2834C>T, p.Pro945Leu (NM_001410739.1); short protein forms P945L, P967L.
Identifiers: ClinVar variation 3347023 (VCV003347023.2).
Genomic context (GRCh38, chr2:27,458,201, plus strand): 5'-TACTTGCCCTGCTTCTCCATTTCCTGGGCCTGAGTGATGTATAGCACTGACACATCTTCT[G>A]GTCTCATGCATTTCATCGCCAGCTGTGGAGGCACAGAGGCAAGGCAGCCTCAGATCCAAT-3'
Protein context (NP_056477.1, residues 957-977): AHKLAMKCMR[Pro967Leu]EDVSVLYITQ